The following is an entry in ClinVar:

ClinVar aggregate classification (germline): Uncertain significance (1 of 4 stars; one submission).

Conditions:
Brugada syndrome 8 (BRGDA8). Identifiers: Orphanet 130, MedGen C2751083, MONDO:0013148, OMIM 613123.

gnomAD v4.1: 2 of 1,593,588 alleles (0.00013%); highest among the groups gnomAD compares: Admixed American, 0.0017%; no homozygotes.

Submission:

Labcorp Genetics (formerly Invitae), Labcorp
Classification: Uncertain significance for Brugada syndrome 8. Last evaluated: 2024-10-16. Review status: criteria provided, single submitter. Criteria: Invitae Variant Classification Sherloc (09022015). Collection method: clinical testing. Allele origin: germline.
Comment: This sequence change replaces arginine, which is basic and polar, with leucine, which is neutral and non-polar, at codon 800 of the HCN4 protein (p.Arg800Leu). The frequency data for this variant in the population databases is considered unreliable, as metrics indicate poor data quality at this position in the gnomAD database. This variant has not been reported in the literature in individuals affected with HCN4-related conditions. ClinVar contains an entry for this variant (Variation ID: 648500). Invitae Evidence Modeling of protein sequence and biophysical properties (such as structural, functional, and spatial information, amino acid conservation, physicochemical variation, residue mobility, and thermodynamic stability) indicates that this missense variant is not expected to disrupt HCN4 protein function with a negative predictive value of 95%. In summary, the available evidence is currently insufficient to determine the role of this variant in disease. Therefore, it has been classified as a Variant of Uncertain Significance.

NM_005477.3(HCN4):c.2399G>T (p.Arg800Leu)

Gene: HCN4 (hyperpolarization activated cyclic nucleotide gated potassium channel 4; minus strand). Cytogenetic location: 15q24.1.
Variant type: single nucleotide variant.
Coding change: c.2399G>T on transcript NM_005477.3 (MANE Select); coding-DNA position 2399, G replaced by T.
Protein change: p.Arg800Leu; replaces arginine 800 with leucine.
Molecular consequence: missense variant.
Genome position (GRCh38, 1-based): chr15:73,323,694, C>A on the plus strand (G>T on the coding strand, the complement: HCN4 is on the minus strand). VCF-style: chr15-73323694-C-A. GRCh37 (hg19) VCF-style: chr15-73616035-C-A.
Other names: short protein forms R800L.
Identifiers: ClinVar variation 648500 (VCV000648500.8), dbSNP rs375180021, ClinGen allele CA393088964.